The following is an entry in ClinVar:

ClinVar aggregate classification (germline): Uncertain significance (1 of 4 stars; one submission).

Conditions:
Neuroblastoma, susceptibility to, 3. Also called: ALK-Related Neuroblastic Tumor Susceptibility. Identifiers: Orphanet 635, MedGen C2751681, MONDO:0013083, OMIM 613014.

Submission:

Labcorp Genetics (formerly Invitae), Labcorp
Classification: Uncertain significance for Neuroblastoma, susceptibility to, 3. Last evaluated: 2023-08-14. Review status: criteria provided, single submitter. Criteria: Invitae Variant Classification Sherloc (09022015). Collection method: clinical testing. Allele origin: germline.
Comment: In summary, the available evidence is currently insufficient to determine the role of this variant in disease. Therefore, it has been classified as a Variant of Uncertain Significance. This sequence change replaces isoleucine, which is neutral and non-polar, with asparagine, which is neutral and polar, at codon 1322 of the ALK protein (p.Ile1322Asn). This variant is not present in population databases (gnomAD no frequency). This variant has not been reported in the literature in individuals affected with ALK-related conditions. An algorithm developed to predict the effect of missense changes on protein structure and function (PolyPhen-2) suggests that this variant is likely to be disruptive.

NM_004304.5(ALK):c.3965T>A (p.Ile1322Asn)

Gene: ALK (ALK receptor tyrosine kinase; minus strand). Cytogenetic location: 2p23.2.
Variant type: single nucleotide variant.
Coding change: c.3965T>A on transcript NM_004304.5 (MANE Select); coding-DNA position 3965, T replaced by A.
Protein change: p.Ile1322Asn; replaces isoleucine 1322 with asparagine.
Molecular consequence: missense variant.
Genome position (GRCh38, 1-based): chr2:29,197,650, A>T on the plus strand (T>A on the coding strand, the complement: ALK is on the minus strand). VCF-style: chr2-29197650-A-T. GRCh37 (hg19) VCF-style: chr2-29420516-A-T.
Other names: c.761T>A, p.Ile254Asn (NM_001353765.2); short protein forms I1322N, I254N.
Identifiers: ClinVar variation 2840312 (VCV002840312.3), dbSNP rs2148143576, ClinGen allele CA346466365.